The following is an entry in ClinVar:

NM_004371.4(COPA):c.2317A>G (p.Ser773Gly)

Gene: COPA (coat protein complex I subunit alpha; minus strand). Cytogenetic location: 1q23.2.
Variant type: single nucleotide variant.
Coding change: c.2317A>G on transcript NM_004371.4 (MANE Select); coding-DNA position 2317, A replaced by G.
Protein change: p.Ser773Gly; replaces serine 773 with glycine.
Molecular consequence: missense variant.
Genome position (GRCh38, 1-based): chr1:160,296,096, T>C on the plus strand (A>G on the coding strand, the complement: COPA is on the minus strand). VCF-style: chr1-160296096-T-C. GRCh37 (hg19) VCF-style: chr1-160265886-T-C.
Other names: c.2344A>G, p.Ser782Gly (NM_001098398.2); short protein forms S773G, S782G.
Identifiers: ClinVar variation 1058932 (VCV001058932.9), dbSNP rs750280942, ClinGen allele CA343276736.

ClinVar aggregate classification (germline): Uncertain significance (1 of 4 stars; one submission).

Conditions:
Autoimmune interstitial lung disease-arthritis syndrome. Also called: Autoinflammation and autoimmunity, systemic, with immune dysregulation. Identifiers: Orphanet 444092, MedGen C5975714, MONDO:0014629.

Submission:

Labcorp Genetics (formerly Invitae), Labcorp
Classification: Uncertain significance for Autoimmune interstitial lung disease-arthritis syndrome. Last evaluated: 2022-11-08. Review status: criteria provided, single submitter. Criteria: Invitae Variant Classification Sherloc (09022015). Collection method: clinical testing. Allele origin: germline.
Comment: This sequence change replaces serine, which is neutral and polar, with glycine, which is neutral and non-polar, at codon 773 of the COPA protein (p.Ser773Gly). This variant is not present in population databases (gnomAD no frequency). This variant has not been reported in the literature in individuals affected with COPA-related conditions. ClinVar contains an entry for this variant (Variation ID: 1058932). Advanced modeling of protein sequence and biophysical properties (such as structural, functional, and spatial information, amino acid conservation, physicochemical variation, residue mobility, and thermodynamic stability) performed at Invitae indicates that this missense variant is not expected to disrupt COPA protein function. In summary, the available evidence is currently insufficient to determine the role of this variant in disease. Therefore, it has been classified as a Variant of Uncertain Significance.